The following is an entry in ClinVar:

ClinVar aggregate classification (germline): Uncertain significance (1 of 4 stars; one submission).

Conditions:
Autosomal recessive limb-girdle muscular dystrophy type 2F (LGMDR6). Also called: Muscular dystrophy limb-girdle with delta-sarcoglyan deficiency; MUSCULAR DYSTROPHY, LIMB-GIRDLE, AUTOSOMAL RECESSIVE 6. Identifiers: Orphanet 219, MedGen C1832525, MONDO:0011028, OMIM 601287. Disease mechanism: Affects gamma-sarcoglycan and also disrupts the integrity of the entire sarcoglycan complex..

gnomAD v4.1: 2 of 1,612,192 alleles (0.00012%); highest among the groups gnomAD compares: Non-Finnish European, 0.00017%; no homozygotes.

Submission:

Labcorp Genetics (formerly Invitae), Labcorp
Classification: Uncertain significance for Autosomal recessive limb-girdle muscular dystrophy type 2F. Last evaluated: 2022-03-08. Review status: criteria provided, single submitter. Criteria: Invitae Variant Classification Sherloc (09022015). Collection method: clinical testing. Allele origin: germline.
Comment: In summary, the available evidence is currently insufficient to determine the role of this variant in disease. Therefore, it has been classified as a Variant of Uncertain Significance. Algorithms developed to predict the effect of missense changes on protein structure and function are either unavailable or do not agree on the potential impact of this missense change (SIFT: "Tolerated"; PolyPhen-2: "Probably Damaging"; Align-GVGD: "Class C0"). This variant has not been reported in the literature in individuals affected with SGCD-related conditions. This variant is not present in population databases (gnomAD no frequency). This sequence change replaces methionine, which is neutral and non-polar, with leucine, which is neutral and non-polar, at codon 43 of the SGCD protein (p.Met43Leu).

NM_000337.6(SGCD):c.127A>T (p.Met43Leu)

Gene: SGCD (sarcoglycan delta; plus strand). Cytogenetic location: 5q33.3.
Variant type: single nucleotide variant.
Coding change: c.127A>T on transcript NM_000337.6 (MANE Select); coding-DNA position 127, A replaced by T.
Protein change: p.Met43Leu; replaces methionine 43 with leucine.
Molecular consequence: missense variant.
Genome position (GRCh38, 1-based): chr5:156,344,612, A>T. VCF-style: chr5-156344612-A-T. GRCh37 (hg19) VCF-style: chr5-155771622-A-T.
Other names: c.124A>T, p.Met42Leu (NM_001128209.2); c.127A>T, p.Met43Leu (NM_172244.3); short protein forms M42L, M43L.
Identifiers: ClinVar variation 1471677 (VCV001471677.8), dbSNP rs2127716663, ClinGen allele CA362007743.
Genomic context (GRCh38, chr5:156,344,612, plus strand): 5'-TACAAGGTGGGGATTTATGGCTGGCGGAAACGATGCCTGTATTTCTTTGTCCTGCTCCTC[A>T]TGATTTTAATACTGGTGAACTTGGCCATGACCATCTGGATTCTCAAAGTCATGAACTTCA-3'
Protein context (NP_000328.2, residues 33-53): RCLYFFVLLL[Met43Leu]ILILVNLAMT